The following is an entry in ClinVar:

ClinVar aggregate classification (germline): Uncertain significance. Review status: criteria provided, multiple submitters, no conflicts (2 of 4 stars). 3 submissions from 3 submitters: Uncertain significance (3). Last evaluated 2023-04-11.

Conditions:
Intellectual developmental disorder, autosomal dominant 52. Also called: Intellectual disability, autosomal dominant 52; Mental retardation, autosomal dominant 52. Identifiers: MedGen C4540478, MONDO:0030918, OMIM 617796.

Submissions (3):

Genome-Nilou Lab
Classification: Uncertain significance for Intellectual developmental disorder, autosomal dominant 52. Last evaluated: 2023-04-11. Review status: criteria provided, single submitter. Criteria: ACMG Guidelines, 2015. Collection method: clinical testing. Allele origin: germline. Affected: no.

GeneDx
Classification: Uncertain significance. Last evaluated: 2022-05-02. Review status: criteria provided, single submitter. Criteria: GeneDx Variant Classification Process June 2021. Collection method: clinical testing. Allele origin: germline. Affected: yes.
Comment: Not observed at significant frequency in large population cohorts (gnomAD); In silico analysis supports that this missense variant has a deleterious effect on protein structure/function; Has not been previously published as pathogenic or benign to our knowledge; This variant is associated with the following publications: (PMID: 27535533)

Revvity Omics, Revvity
Classification: Uncertain significance for Intellectual developmental disorder, autosomal dominant 52. Last evaluated: 2020-05-06. Review status: criteria provided, single submitter. Criteria: ACMG Guidelines, 2015. Collection method: clinical testing. Allele origin: germline.

NM_018489.3(ASH1L):c.7051G>A (p.Glu2351Lys)

Gene: ASH1L (ASH1 like histone lysine methyltransferase; minus strand). Cytogenetic location: 1q22.
Variant type: single nucleotide variant.
Coding change: c.7051G>A on transcript NM_018489.3 (MANE Select); coding-DNA position 7051, G replaced by A.
Protein change: p.Glu2351Lys; replaces glutamic acid 2351 with lysine.
Molecular consequence: missense variant.
Genome position (GRCh38, 1-based): chr1:155,357,320, C>T on the plus strand (G>A on the coding strand, the complement: ASH1L is on the minus strand). VCF-style: chr1-155357320-C-T. GRCh37 (hg19) VCF-style: chr1-155327111-C-T.
Other names: c.7066G>A, p.Glu2356Lys (NM_001366177.2); short protein forms E2351K, E2356K.
Identifiers: ClinVar variation 1684058 (VCV001684058.5), dbSNP rs2148370703, ClinGen allele CA342749090.